The following is an entry in ClinVar:

NM_001130438.3(SPTAN1):c.6031C>T (p.Arg2011Ter)

Gene: SPTAN1 (spectrin alpha, non-erythrocytic 1; plus strand). Cytogenetic location: 9q34.11.
Variant type: single nucleotide variant.
Coding change: c.6031C>T on transcript NM_001130438.3 (MANE Select); coding-DNA position 6031, C replaced by T.
Protein change: p.Arg2011Ter; replaces arginine 2011 with a stop codon.
Molecular consequence: nonsense.
Genome position (GRCh38, 1-based): chr9:128,625,141, C>T. VCF-style: chr9-128625141-C-T. GRCh37 (hg19) VCF-style: chr9-131387420-C-T.
Other names: c.5956C>T, p.Arg1986Ter (NM_001195532.2); c.6031C>T, p.Arg2011Ter (NM_001363759.2, NM_001375310.1, NM_001375311.2 and 1 more transcripts); c.5971C>T, p.Arg1991Ter (NM_001363765.2, NM_001375314.2); c.6067C>T, p.Arg2023Ter (NM_001375312.2, NM_001375318.1); c.6016C>T, p.Arg2006Ter (NM_003127.4); short protein forms R1986*, R1991*, R2006*, R2011*, R2023*.
Identifiers: ClinVar variation 1309058 (VCV001309058.4), dbSNP rs2131938862, ClinGen allele CA375085018.

ClinVar aggregate classification (germline): Pathogenic/Likely pathogenic. Review status: criteria provided, multiple submitters, no conflicts (2 of 4 stars). 2 submissions from 2 submitters: Pathogenic (1); Likely pathogenic (1). Last evaluated 2025-10-14.

Conditions:
Hereditary spastic paraplegia. Also called: Familial spastic paraparesis. Identifiers: Orphanet 685, MedGen C0037773, MONDO:0019064. Disease mechanism: loss of function.

Submissions (2):

GeneDx
Classification: Likely pathogenic. Last evaluated: 2025-10-14. Review status: criteria provided, single submitter. Criteria: GeneDx Variant Classification Process June 2021. Collection method: clinical testing. Allele origin: germline. Affected: yes.
Comment: Nonsense variant predicted to result in protein truncation or nonsense mediated decay in a gene for which loss of function is a known mechanism of disease; Not observed at significant frequency in large population cohorts (gnomAD); Has not been previously published as pathogenic or benign to our knowledge

Victorian Clinical Genetics Services, Murdoch Childrens Research Institute
Classification: Pathogenic for Hereditary spastic paraplegia. Last evaluated: 2022-09-02. Review status: criteria provided, single submitter. Criteria: ACMG Guidelines, 2015. Collection method: clinical testing. Allele origin: germline. Inheritance: Autosomal dominant inheritance. Affected: yes.
Comment: Based on the classification scheme VCGS_Germline_v1.3.4, this variant is classified as Pathogenic. Following criteria are met: 0103 - Dominant negative and loss of function are known mechanisms of disease in this gene and are associated with developmental and epileptic encephalopathy 5 (MIM#613477) and distal hereditary motor neuropathy (MONDO:0018894). Loss of function variants have been reported for both conditions (PMID: 35150594). (I) 0107 - This gene is associated with autosomal dominant disease. (I) 0112 - The condition associated with this gene is suggested to have incomplete penetrance. Two families with hereditary motor neuropathy each have an asymptomatic relative (PMID: 31332438). (I) 0115 - Variants in this gene are known to have variable expressivity. Intrafamilial variability has been described (PMID: 32811770, PMID: 31332438). (I) 0201 - Variant is predicted to cause nonsense-mediated decay (NMD) and loss of protein (premature termination codon is located at least 54 nucleotides upstream of the final exon-exon junction). (SP) 0251 - This variant is heterozygous. (I) 0301 - Variant is absent from gnomAD (both v2 and v3). (SP) 0702 - Other NMD-predicted variants comparable to the one identified in this case have strong previous evidence for pathogenicity. These variants have been reported as both VUS and pathogenic (ClinVar), but recent literature describes these variants in individuals with hereditary motor neuropathy, sensorimotor neuropathy with developmental disorder, epilepsy or intellectual disability (PMID: 31332438, PMID: 33578420, PMID: 34590414, PMID: 35150594). (SP) 0809 - Previous evidence of pathogenicity for this variant is inconclusive. This variant has been reported as a VUS (ClinVar). (I) 0905 - No published segregation evidence has been identified for this variant. (I) 1007 - No published functional evidence has been identified for this variant. (I) 1208 - Inheritance information for this variant is not currently available in this individual. (I) Legend: (SP) - Supporting pathogenic, (I) - Information, (SB) - Supporting benign

Literature cited by the submitters: PubMed 31332438 (cited by Victorian Clinical Genetics Services, Murdoch Childrens Research Institute); PubMed 32811770 (cited by Victorian Clinical Genetics Services, Murdoch Childrens Research Institute); PubMed 33578420 (cited by Victorian Clinical Genetics Services, Murdoch Childrens Research Institute); PubMed 34590414 (cited by Victorian Clinical Genetics Services, Murdoch Childrens Research Institute); PubMed 35150594 (cited by Victorian Clinical Genetics Services, Murdoch Childrens Research Institute).